The following is an entry in ClinVar:

ClinVar aggregate classification (germline): Benign. Review status: criteria provided, multiple submitters, no conflicts (2 of 4 stars). 4 submissions from 4 submitters: Benign (3). 1 of the submissions does not count toward it. Last evaluated 2021-09-05.

Conditions:
Ataxia with oculomotor apraxia type 3. Also called: Ataxia-oculomotor apraxia 3. Identifiers: Orphanet 64753, MedGen C3554690, MONDO:0014084, OMIM 615217.

Allele frequency attached by ClinVar (database versions not stated): 1000 Genomes Project 0.20308; 1000 Genomes Project 30x 0.21065; gnomAD exomes 0.24643 and 0.28517; ExAC 0.25157; gnomAD 0.27722 and 0.28549; TOPMed 0.28850; ESP Exome Variant Server 0.30724.
gnomAD v4.1: 458,166 of 1,612,304 alleles (28%); highest among the groups gnomAD compares: Non-Finnish European, 31%; 68,661 homozygotes.

Submissions (4):

Genome-Nilou Lab
Classification: Benign for Ataxia with oculomotor apraxia type 3. Last evaluated: 2021-09-05. Review status: criteria provided, single submitter. Criteria: ACMG Guidelines, 2015. Collection method: clinical testing. Allele origin: germline. Affected: no.

Breakthrough Genomics
Classification: Benign. Review status: criteria provided, single submitter. Criteria: ACMG Guidelines, 2015. Collection method: not provided. Allele origin: germline. Inheritance: Autosomal recessive inheritance. Affected: yes.

PreventionGenetics, part of Exact Sciences
Classification: Benign. Review status: criteria provided, single submitter. Criteria: ACMG Guidelines, 2015. Collection method: clinical testing. Allele origin: germline.

Genetic Services Laboratory, University of Chicago
Classification: Likely benign for AllHighlyPenetrant. Review status: no assertion criteria provided. Collection method: clinical testing. Allele origin: germline. Inheritance: Autosomal recessive inheritance. Not counted in ClinVar's aggregate classification.
Comment: Likely benign based on allele frequency in 1000 Genomes Project or ESP global frequency and its presence in a patient with a rare or unrelated disease phenotype. NOT Sanger confirmed.

NM_001142633.3(PIK3R5):c.1011C>T (p.Asp337=)

Gene: PIK3R5 (phosphoinositide-3-kinase regulatory subunit 5; minus strand). Cytogenetic location: 17p13.1.
Variant type: single nucleotide variant.
Coding change: c.1011C>T on transcript NM_001142633.3 (MANE Select); coding-DNA position 1011, C replaced by T.
Protein change: p.Asp337=; no amino-acid change (aspartic acid 337 retained).
Molecular consequence: synonymous variant. On other transcripts: 5 prime UTR variant (8).
Genome position (GRCh38, 1-based): chr17:8,888,776, G>A on the plus strand (C>T on the coding strand, the complement: PIK3R5 is on the minus strand). VCF-style: chr17-8888776-G-A. GRCh37 (hg19) VCF-style: chr17-8792093-G-A.
Other names: c.-148C>T (NM_001251851.2, NM_001251852.2, NM_001251853.2 and 5 more transcripts); c.1011C>T, p.Asp337= (NM_001388396.1, NM_014308.4).
Identifiers: ClinVar variation 129892 (VCV000129892.10), dbSNP rs16957702, ClinGen allele CA154247.